The following is an entry in ClinVar:

NM_002439.5(MSH3):c.3267G>T (p.Lys1089Asn)

Gene: MSH3 (mutS homolog 3; plus strand). Cytogenetic location: 5q14.1.
Variant type: single nucleotide variant.
Coding change: c.3267G>T on transcript NM_002439.5 (MANE Select); coding-DNA position 3267, G replaced by T.
Protein change: p.Lys1089Asn; replaces lysine 1089 with asparagine.
Molecular consequence: missense variant.
Genome position (GRCh38, 1-based): chr5:80,873,252, G>T. VCF-style: chr5-80873252-G-T. GRCh37 (hg19) VCF-style: chr5-80169071-G-T.
Other names: c.3267G>T (NM_002439.3); short protein forms K1089N.
Identifiers: ClinVar variation 640553 (VCV000640553.9), dbSNP rs1580104462, ClinGen allele CA360347067.

ClinVar aggregate classification (germline): Uncertain significance. Review status: criteria provided, multiple submitters, no conflicts (2 of 4 stars). 2 submissions from 2 submitters: Uncertain significance (2). Last evaluated 2024-02-28.

Conditions:
Hereditary cancer-predisposing syndrome. Also called: Neoplastic Syndromes, Hereditary; Tumor predisposition; Hereditary Cancer Syndrome; Hereditary neoplastic syndrome. Identifiers: Orphanet 140162, MedGen C0027672, MeSH D009386, MONDO:0015356.

Allele frequency attached by ClinVar (database versions not stated): gnomAD exomes below 0.00001.
gnomAD v4.1: 1 of 1,613,952 alleles (0.000062%); highest among the groups gnomAD compares: Non-Finnish European, 0.000085%; no homozygotes.

Submissions (2):

Ambry Genetics
Classification: Uncertain significance for Hereditary cancer-predisposing syndrome. Last evaluated: 2024-02-28. Review status: criteria provided, single submitter. Criteria: Ambry Variant Classification Scheme 2023. Collection method: clinical testing. Allele origin: germline.
Comment: The p.K1089N variant (also known as c.3267G>T), located in coding exon 23 of the MSH3 gene, results from a G to T substitution at nucleotide position 3267. The lysine at codon 1089 is replaced by asparagine, an amino acid with similar properties. This amino acid position is conserved. In addition, the in silico prediction for this alteration is inconclusive. Based on the available evidence, the clinical significance of this alteration remains unclear.

Labcorp Genetics (formerly Invitae), Labcorp
Classification: Uncertain significance. Last evaluated: 2020-03-25. Review status: criteria provided, single submitter. Criteria: Invitae Variant Classification Sherloc (09022015). Collection method: clinical testing. Allele origin: germline.
Comment: In summary, the available evidence is currently insufficient to determine the role of this variant in disease. Therefore, it has been classified as a Variant of Uncertain Significance. Algorithms developed to predict the effect of missense changes on protein structure and function are either unavailable or do not agree on the potential impact of this missense change (SIFT: "Tolerated"; PolyPhen-2: "Probably Damaging"; Align-GVGD: "Class C0"). This variant has not been reported in the literature in individuals with MSH3-related disease. This variant is not present in population databases (ExAC no frequency). This sequence change replaces lysine with asparagine at codon 1089 of the MSH3 protein (p.Lys1089Asn). The lysine residue is moderately conserved and there is a moderate physicochemical difference between lysine and asparagine.